The following is an entry in ClinVar:

ClinVar aggregate classification (germline): Uncertain significance (1 of 4 stars; one submission).

Allele frequency attached by ClinVar (database versions not stated): 1000 Genomes Project 30x 0.00016.
gnomAD v4.1: 64 of 1,613,792 alleles (0.004%); highest among the groups gnomAD compares: Non-Finnish European, 0.0051%; no homozygotes.

Submission:

GeneDx
Classification: Uncertain significance. Last evaluated: 2019-05-16. Review status: criteria provided, single submitter. Criteria: GeneDx Variant Classification Process June 2021. Collection method: clinical testing. Allele origin: germline. Affected: yes.
Comment: Has not been previously published as pathogenic or benign to our knowledge; In silico analysis, which includes splice predictors and evolutionary conservation, supports that this variant does not alter protein structure/function

NM_000369.5(TSHR):c.692+209C>T

Genes: TSHR (thyroid stimulating hormone receptor; plus strand), TSHR-AS1 (TSHR antisense RNA 1; minus strand). Cytogenetic location: 14q31.1.
Variant type: single nucleotide variant.
Coding change: c.692+209C>T on transcript NM_000369.5 (MANE Select); 209 bases into the intron after coding-DNA position 692, C replaced by T.
Molecular consequence: intron variant. On other transcripts: missense variant (2).
Genome position (GRCh38, 1-based): chr14:81,108,661, C>T. VCF-style: chr14-81108661-C-T. GRCh37 (hg19) VCF-style: chr14-81575005-C-T.
Other names: c.742C>T, p.Arg248Cys (NM_001018036.3); c.805C>T, p.Arg269Cys (NM_001142626.3); short protein forms R248C, R269C.
Identifiers: ClinVar variation 1305715 (VCV001305715.2), dbSNP rs3783941, ClinGen allele CA7294283.
Genomic context (GRCh38, chr14:81,108,661, plus strand): 5'-TGGCTGTATAGGCTACCTCTTGGAAGAAAGTCCTTGTCCTTTGAGACTCAGAAGGCCCCA[C>T]GCTCCAGTATGCCATCATGATGCCTGCTAAGGCAGCCACCTTGGTGTACATGCTCACAGA-3'